The following is an entry in ClinVar:

NM_001032283.3(TMPO):c.318T>A (p.Asp106Glu)

Gene: TMPO (thymopoietin; plus strand). Cytogenetic location: 12q23.1.
Variant type: single nucleotide variant.
Coding change: c.318T>A on transcript NM_001032283.3 (MANE Select); coding-DNA position 318, T replaced by A.
Protein change: p.Asp106Glu; replaces aspartic acid 106 with glutamic acid.
Molecular consequence: missense variant.
Genome position (GRCh38, 1-based): chr12:98,527,924, T>A. VCF-style: chr12-98527924-T-A. GRCh37 (hg19) VCF-style: chr12-98921702-T-A.
Other names: c.318T>A, p.Asp106Glu (NM_001032284.3, NM_001307975.2, NM_003276.2); short protein forms D106E.
Identifiers: ClinVar variation 939154 (VCV000939154.12), dbSNP rs772509210, ClinGen allele CA6732167.

ClinVar aggregate classification (germline): Conflicting classifications of pathogenicity. Review status: criteria provided, conflicting classifications (1 of 4 stars). 2 submissions from 2 submitters: Uncertain significance (1); Likely benign (1). Last evaluated 2024-02-24.

Conditions:
Loeys-Dietz syndrome 2 (LDS2). Also called: AORTIC ANEURYSM, FAMILIAL THORACIC 3; TGFBR2-Related Loeys-Dietz Syndrome; Marfan Syndrome type 2; Marfan like connective tissue disorder; MFS 2; MARFAN SYNDROME, TYPE II. Identifiers: Orphanet 284973, Orphanet 558, MedGen C2674574, MONDO:0012427, OMIM 610168.

Allele frequency attached by ClinVar (database versions not stated): gnomAD 0.00002 and 0.00003; TOPMed 0.00003; gnomAD exomes 0.00004 and 0.00010; ExAC 0.00012.
gnomAD v4.1: 62 of 1,613,936 alleles (0.0038%); highest among the groups gnomAD compares: South Asian, 0.032%; no homozygotes.

Submissions (2):

Labcorp Genetics (formerly Invitae), Labcorp
Classification: Uncertain significance for Loeys-Dietz syndrome 2. Last evaluated: 2024-02-24. Review status: criteria provided, single submitter. Criteria: Invitae Variant Classification Sherloc (09022015). Collection method: clinical testing. Allele origin: germline.
Comment: This sequence change replaces aspartic acid, which is acidic and polar, with glutamic acid, which is acidic and polar, at codon 106 of the TMPO protein (p.Asp106Glu). This variant is present in population databases (rs772509210, gnomAD 0.06%). This variant has not been reported in the literature in individuals affected with TMPO-related conditions. ClinVar contains an entry for this variant (Variation ID: 939154). Algorithms developed to predict the effect of missense changes on protein structure and function output the following: SIFT: "Not Available"; PolyPhen-2: "Benign"; Align-GVGD: "Not Available". The glutamic acid amino acid residue is found in multiple mammalian species, which suggests that this missense change does not adversely affect protein function. In summary, the available evidence is currently insufficient to determine the role of this variant in disease. Therefore, it has been classified as a Variant of Uncertain Significance.

Ambry Genetics
Classification: Likely benign. Last evaluated: 2021-08-31. Review status: criteria provided, single submitter. Criteria: Ambry Variant Classification Scheme 2023. Collection method: clinical testing. Allele origin: germline.